The following is an entry in ClinVar:

NM_015214.3(DDHD2):c.864A>C (p.Ile288=)

Gene: DDHD2 (DDHD domain containing 2; plus strand). Cytogenetic location: 8p11.23.
Variant type: single nucleotide variant.
Coding change: c.864A>C on transcript NM_015214.3 (MANE Select); coding-DNA position 864, A replaced by C.
Protein change: p.Ile288=; no amino-acid change (isoleucine 288 retained).
Molecular consequence: synonymous variant. On other transcripts: non-coding transcript variant (2).
Genome position (GRCh38, 1-based): chr8:38,245,757, A>C. VCF-style: chr8-38245757-A-C. GRCh37 (hg19) VCF-style: chr8-38103275-A-C.
Other names: c.864A>C, p.Ile288= (NM_001164232.2, NM_001362911.2, NM_001362912.2 and 1 more transcripts); c.774A>C, p.Ile258= (NM_001362913.2).
Identifiers: ClinVar variation 473076 (VCV000473076.36), dbSNP rs148904419, ClinGen allele CA4716109.

ClinVar aggregate classification (germline): Likely benign. Review status: criteria provided, multiple submitters, no conflicts (2 of 4 stars). 4 submissions from 4 submitters: Likely benign (4). Last evaluated 2026-01-11.

Conditions:
Hereditary spastic paraplegia 54. Also called: Spastic paraplegia 54, autosomal recessive. Identifiers: Orphanet 320380, MedGen C3539495, MONDO:0014018, OMIM 615033.
Hereditary spastic paraplegia. Also called: Familial spastic paraparesis. Identifiers: Orphanet 685, MedGen C0037773, MONDO:0019064. Disease mechanism: loss of function.

Allele frequency attached by ClinVar (database versions not stated): gnomAD exomes 0.00032 and 0.00046; TOPMed 0.00035; gnomAD 0.00036 and 0.00038; 1000 Genomes Project 0.00040; ExAC 0.00040; 1000 Genomes Project 30x 0.00047; ESP Exome Variant Server 0.00077.
gnomAD v4.1: 727 of 1,614,114 alleles (0.045%); highest among the groups gnomAD compares: Middle Eastern, 0.26%; 1 homozygote.

Submissions (4):

Labcorp Genetics (formerly Invitae), Labcorp
Classification: Likely benign for Hereditary spastic paraplegia 54. Last evaluated: 2026-01-11. Review status: criteria provided, single submitter. Criteria: Invitae Variant Classification Sherloc (09022015). Collection method: clinical testing. Allele origin: germline.

CeGaT Center for Human Genetics Tuebingen
Classification: Likely benign. Last evaluated: 2025-04-01. Review status: criteria provided, single submitter. Criteria: CeGaT Center For Human Genetics Tuebingen Variant Classification Criteria Version 2. Collection method: clinical testing. Allele origin: germline. Affected: yes. Observed: 6 variant alleles.
Comment: DDHD2: BP4, BP7

Genome Diagnostics Laboratory, The Hospital for Sick Children
Classification: Likely benign for Hereditary spastic paraplegia. Last evaluated: 2019-08-01. Review status: criteria provided, single submitter. Criteria: ACMG Guidelines, 2015. Collection method: clinical testing. Allele origin: germline. Affected: yes.

GeneDx
Classification: Likely benign. Last evaluated: 2017-05-25. Review status: criteria provided, single submitter. Criteria: GeneDx Variant Classification (06012015). Collection method: clinical testing. Allele origin: germline. Affected: yes.
Comment: This variant is considered likely benign or benign based on one or more of the following criteria: it is a conservative change, it occurs at a poorly conserved position in the protein, it is predicted to be benign by multiple in silico algorithms, and/or has population frequency not consistent with disease.